The following is an entry in ClinVar:

NM_021620.4(PRDM13):c.172_177del (p.Asp58_Glu59del)

Gene: PRDM13 (PR/SET domain 13; plus strand). Cytogenetic location: 6q16.2.
Variant type: Deletion.
Coding change: c.172_177del on transcript NM_021620.4 (MANE Select); coding-DNA positions 172 to 177, 6 bases deleted (GACGAG; older notation c.172_177delGACGAG).
Protein change: p.Asp58_Glu59del.
Molecular consequence: inframe deletion.
Genome position (GRCh38, 1-based): chr6:99,608,768-99,608,773, GACGAG deleted; deleting any 6 consecutive bases within chr6:99,608,767-99,608,773 gives the same sequence; the c. name uses the placement nearest the transcript's 3' end. VCF-style (leftmost placement, unchanged base first): chr6-99608766-TGGACGA-T. GRCh37 (hg19) VCF-style: chr6-100056642-TGGACGA-T.
Identifiers: ClinVar variation 1058620 (VCV001058620.9), dbSNP rs777224353, ClinGen allele CA3936130.
Genomic context (GRCh38, chr6:99,608,766, plus strand): 5'-GGTGCGGGGGAGAACGACCACTGCTTGTGTTGCAGGTGCGCATGGTGAGAGGGGAGCTGG[TGGACGA>T]GTCGGGGGGCTCCCCTCTGGAGTGGATAGGGTTAATCCGGGCAGCCAGAAACTCCCAGGA-3'

ClinVar aggregate classification (germline): Uncertain significance (1 of 4 stars; one submission).

Submission:

Labcorp Genetics (formerly Invitae), Labcorp
Classification: Uncertain significance. Last evaluated: 2022-10-05. Review status: criteria provided, single submitter. Criteria: Invitae Variant Classification Sherloc (09022015). Collection method: clinical testing. Allele origin: germline.
Comment: In summary, the available evidence is currently insufficient to determine the role of this variant in disease. Therefore, it has been classified as a Variant of Uncertain Significance. Experimental studies and prediction algorithms are not available or were not evaluated, and the functional significance of this variant is currently unknown. This variant, c.172_177del, results in the deletion of 2 amino acid(s) of the PRDM13 protein (p.Asp58_Glu59del), but otherwise preserves the integrity of the reading frame. This variant is present in population databases (rs777224353, gnomAD 0.01%). This variant has not been reported in the literature in individuals affected with PRDM13-related conditions. ClinVar contains an entry for this variant (Variation ID: 1058620).